The following is an entry in ClinVar:

NM_000064.4(C3):c.2929G>A (p.Glu977Lys)

Gene: C3 (complement C3; minus strand). Cytogenetic location: 19p13.3.
Variant type: single nucleotide variant.
Coding change: c.2929G>A on transcript NM_000064.4 (MANE Select); coding-DNA position 2929, G replaced by A.
Protein change: p.Glu977Lys; replaces glutamic acid 977 with lysine.
Molecular consequence: missense variant.
Genome position (GRCh38, 1-based): chr19:6,696,400, C>T on the plus strand (G>A on the coding strand, the complement: C3 is on the minus strand). VCF-style: chr19-6696400-C-T. GRCh37 (hg19) VCF-style: chr19-6696411-C-T.
Other names: short protein forms E977K.
Identifiers: ClinVar variation 3584119 (VCV003584119.3).
Genomic context (GRCh38, chr19:6,696,400, plus strand): 5'-CTCCTGGGACCCATGGGGTCGGGGTCAAGGGTGTCTCACCTTGCAGGAGAATTCTGGTCT[C>T]AGACTCGGTGTCCGGGACTTGGTCACTGAGGTCTGCAGGTGGGATGTCCTCTTTCTGCAC-3'
Protein context (NP_000055.2, residues 967-987): LSDQVPDTES[Glu977Lys]TRILLQGTPV

ClinVar aggregate classification (germline): Uncertain significance. Review status: criteria provided, multiple submitters, no conflicts (2 of 4 stars). 2 submissions from 2 submitters: Uncertain significance (2). Last evaluated 2024-11-29.

Conditions:
Atypical hemolytic-uremic syndrome with C3 anomaly. Also called: AHUS, SUSCEPTIBILITY TO, 5. Identifiers: Orphanet 2134, MedGen C2752037, MONDO:0013043, OMIM 612925.
Age related macular degeneration 9. Identifiers: MedGen C1969651, MONDO:0012659, OMIM 611378.
Complement component 3 deficiency. Identifiers: Orphanet 280133, MedGen C3151071, MONDO:0013417, OMIM 613779.

gnomAD v4.1: 3 of 1,612,826 alleles (0.00019%); highest among the groups gnomAD compares: African/African-American, 0.0027%; no homozygotes.

Submissions (2):

Women's Health and Genetics/Laboratory Corporation of America, LabCorp
Classification: Uncertain significance. Last evaluated: 2024-11-29. Review status: criteria provided, single submitter. Criteria: LabCorp Variant Classification Summary - May 2015. Collection method: clinical testing. Allele origin: germline.
Comment: Variant summary: C3 c.2929G>A (p.Glu977Lys) results in a conservative amino acid change located in the Complement component 3, CUB domain of the encoded protein sequence. Three of five in-silico tools predict a benign effect of the variant on protein function. The variant was absent in 249092 control chromosomes. The available data on variant occurrences in the general population are insufficient to allow any conclusion about variant significance. To our knowledge, no occurrence of c.2929G>A in individuals affected with C3 Deficiency and no experimental evidence demonstrating its impact on protein function have been reported. No submitters have cited clinical-significance assessments for this variant to ClinVar. Based on the evidence outlined above, the variant was classified as uncertain significance.

Fulgent Genetics
Classification: Uncertain significance for Age related macular degeneration 9; Atypical hemolytic-uremic syndrome with C3 anomaly; Complement component 3 deficiency. Last evaluated: 2024-01-14. Review status: criteria provided, single submitter. Criteria: ACMG Guidelines, 2015. Collection method: clinical testing. Allele origin: germline.